The following is an entry in ClinVar:

NM_001089.3(ABCA3):c.213C>T (p.Phe71=)

Gene: ABCA3 (ATP binding cassette subfamily A member 3; minus strand). Cytogenetic location: 16p13.3.
Variant type: single nucleotide variant.
Coding change: c.213C>T on transcript NM_001089.3 (MANE Select); coding-DNA position 213, C replaced by T.
Protein change: p.Phe71=; no amino-acid change (phenylalanine 71 retained).
Molecular consequence: synonymous variant.
Genome position (GRCh38, 1-based): chr16:2,326,116, G>A on the plus strand (C>T on the coding strand, the complement: ABCA3 is on the minus strand). VCF-style: chr16-2326116-G-A. GRCh37 (hg19) VCF-style: chr16-2376117-G-A.
Identifiers: ClinVar variation 318574 (VCV000318574.18), dbSNP rs117515055, ClinGen allele CA7841763.

ClinVar aggregate classification (germline): Benign/Likely benign. Review status: criteria provided, multiple submitters, no conflicts (2 of 4 stars). 5 submissions from 5 submitters: Benign (3); Likely benign (2). Last evaluated 2026-01-28.

Conditions:
Hereditary pulmonary alveolar proteinosis. Also called: Pulmonary surfactant metabolism dysfunction. Identifiers: Orphanet 264675, MedGen C3711368, MONDO:0012580.
Interstitial lung disease due to ABCA3 deficiency. Also called: PULMONARY ALVEOLAR PROTEINOSIS, CONGENITAL, 3. Identifiers: Orphanet 440402, MedGen C1970456, MONDO:0012582, OMIM 610921.

Allele frequency attached by ClinVar (database versions not stated): ESP Exome Variant Server 0.00008; gnomAD 0.00088 and 0.00123; gnomAD exomes 0.00098 and 0.00244; TOPMed 0.00133; ExAC 0.00231; 1000 Genomes Project 30x 0.00500; 1000 Genomes Project 0.00559.
gnomAD v4.1: 1,715 of 1,614,172 alleles (0.11%); highest among the groups gnomAD compares: East Asian, 3.3%; 26 homozygotes.

Submissions (5):

Labcorp Genetics (formerly Invitae), Labcorp
Classification: Benign. Last evaluated: 2026-01-28. Review status: criteria provided, single submitter. Criteria: Invitae Variant Classification Sherloc (09022015). Collection method: clinical testing. Allele origin: germline.

Johns Hopkins Genomics, Johns Hopkins University
Classification: Benign for Interstitial lung disease due to ABCA3 deficiency. Last evaluated: 2019-06-03. Review status: criteria provided, single submitter. Criteria: ACMG Guidelines, 2015. Collection method: clinical testing. Allele origin: germline.

GeneDx
Classification: Likely benign. Last evaluated: 2019-04-03. Review status: criteria provided, single submitter. Criteria: GeneDx Variant Classification Process June 2021. Collection method: clinical testing. Allele origin: germline. Affected: yes.
Comment: See Variant Classification Assertion Criteria.

Illumina Laboratory Services, Illumina
Classification: Likely benign for Interstitial lung disease due to ABCA3 deficiency. Last evaluated: 2017-04-27. Review status: criteria provided, single submitter. Criteria: ICSL Variant Classification Criteria 13 December 2019. Collection method: clinical testing. Allele origin: germline.
Comment: This variant was observed as part of a predisposition screen in an ostensibly healthy population. A literature search was performed for the gene, cDNA change, and amino acid change (where applicable). Publications were found based on this search. The evidence from the literature, in combination with allele frequency data from public databases where available, was sufficient to determine this variant is unlikely to cause disease. Therefore, this variant is classified as likely benign.

Ambry Genetics
Classification: Benign for Hereditary pulmonary alveolar proteinosis. Last evaluated: 2015-06-15. Review status: criteria provided, single submitter. Criteria: Ambry Variant Classification Scheme 2023. Collection method: clinical testing. Allele origin: germline.

Literature cited by the submitters: PubMed 22455634 (cited by Illumina Laboratory Services, Illumina).